The following is an entry in ClinVar:

ClinVar aggregate classification (germline): Likely pathogenic. Review status: criteria provided, multiple submitters, no conflicts (2 of 4 stars). 2 submissions from 2 submitters: Likely pathogenic (2). Last evaluated 2025-07-18.

Conditions:
Primary dilated cardiomyopathy (DCM). Also called: Dilated Cardiomyopathy. Identifiers: Orphanet 217604, MedGen C0007193, MeSH D002311, MONDO:0005021, HP:0001644. Inheritance: Various modes of inheritance.
Dilated cardiomyopathy 1G (CMD1G). Identifiers: Orphanet 154, MedGen C1858763, MONDO:0011400, OMIM 604145.
Autosomal recessive limb-girdle muscular dystrophy type 2J (LGMDR10). Also called: Limb-girdle muscular dystrophy, type 2J; MUSCULAR DYSTROPHY, LIMB-GIRDLE, AUTOSOMAL RECESSIVE 10. Identifiers: Orphanet 140922, MedGen C1837342, MONDO:0012127, OMIM 608807.

Submissions (2):

Labcorp Genetics (formerly Invitae), Labcorp
Classification: Likely pathogenic for Dilated cardiomyopathy 1G; Autosomal recessive limb-girdle muscular dystrophy type 2J. Last evaluated: 2025-07-18. Review status: criteria provided, single submitter. Criteria: Invitae Variant Classification Sherloc (09022015). Collection method: clinical testing. Allele origin: germline.
Comment: This sequence change creates a premature translational stop signal (p.Leu31635Glyfs*9) in the TTN gene. While this is not anticipated to result in nonsense mediated decay, it is expected to create a truncated TTN protein. This variant is not present in population databases (gnomAD no frequency). This variant has not been reported in the literature in individuals affected with TTN-related conditions. ClinVar contains an entry for this variant (Variation ID: 2063050). This variant is located in the A band of TTN (PMID: 25589632). Truncating variants in this region are significantly overrepresented in patients affected with dilated cardiomyopathy (PMID: 25589632). Truncating variants in this region have also been reported in individuals affected with autosomal recessive centronuclear myopathy (PMID: 23975875). In summary, the currently available evidence indicates that the variant is pathogenic, but additional data are needed to prove that conclusively. Therefore, this variant has been classified as Likely Pathogenic.

Lildballe Lab, Aarhus University Hospital
Classification: Likely pathogenic for dilated cardiomyopathy. Last evaluated: 2024-03-01. Review status: criteria provided, single submitter. Criteria: ACMG Guidelines, 2015. Collection method: research. Allele origin: germline. Affected: yes.
Comment: PVS1(vs), PM2(sup)

Literature cited by the submitters: PubMed 25589632 (cited by Labcorp Genetics (formerly Invitae), Labcorp); PubMed 23975875 (cited by Labcorp Genetics (formerly Invitae), Labcorp); PubMed 25741951 (cited by Lildballe Lab, Aarhus University Hospital); PubMed 39481677 (cited by Lildballe Lab, Aarhus University Hospital).

NM_001267550.2(TTN):c.94903_94904del (p.Leu31635fs)

Genes: TTN (titin; minus strand), TTN-AS1 (TTN antisense RNA 1; plus strand). Cytogenetic location: 2q31.2.
Variant type: Deletion.
Coding change: c.94903_94904del on transcript NM_001267550.2 (MANE Select); coding-DNA positions 94903 to 94904, 2 bases deleted (CT; older notation c.94903_94904delCT).
Protein change: p.Leu31635fs; shifts the reading frame from leucine 31635.
Molecular consequence: frameshift variant.
Genome position (GRCh38, 1-based): chr2:178,546,427-178,546,428, AG deleted on the plus strand (CT on the coding strand, the reverse complement: TTN is on the minus strand); deleting any 2 consecutive bases within chr2:178,546,427-178,546,429 gives the same sequence; the c. name uses the placement nearest the transcript's 3' end. VCF-style (leftmost placement, unchanged base first): chr2-178546426-CAG-C. GRCh37 (hg19) VCF-style: chr2-179411153-CAG-C.
Other names: c.67708_67709delCT (NM_003319.4); c.89980_89981del, p.Leu29994fs (NM_001256850.1); c.67708_67709del, p.Leu22570fs (NM_003319.4); c.87199_87200del, p.Leu29067fs (NM_133378.4); c.68083_68084del, p.Leu22695fs (NM_133432.3); c.68284_68285del, p.Leu22762fs (NM_133437.4); short protein forms L22570fs, L22695fs, L31635fs, L29994fs, L22762fs, L29067fs.
Identifiers: ClinVar variation 2063050 (VCV002063050.5), dbSNP rs2469051194, ClinGen allele CA2580064783.